The following is an entry in ClinVar:

ClinVar aggregate classification (germline): Likely benign. Review status: criteria provided, single submitter (1 of 4 stars). 2 submissions from 2 submitters: Likely benign (1). 1 of the submissions does not count toward it. Last evaluated 2024-09-29.

Conditions:
DYNC1H1-related disorder. Also called: DYNC1H1-related disorders; DYNC1H1-related condition. Identifiers: MedGen CN381529.
Charcot-Marie-Tooth disease axonal type 2O. Also called: Charcot-Marie-Tooth disease, axonal, type 20; CHARCOT-MARIE-TOOTH NEUROPATHY, AXONAL, TYPE 2O; CHARCOT-MARIE-TOOTH DISEASE, AXONAL, AUTOSOMAL DOMINANT, TYPE 2O; Charcot-Marie-Tooth Neuropathy Type 2O. Identifiers: Orphanet 284232, MedGen C3280220, MONDO:0013644, OMIM 614228.

Allele frequency attached by ClinVar (database versions not stated): gnomAD exomes below 0.00001; TOPMed below 0.00001; gnomAD 0.00001.
gnomAD v4.1: 5 of 1,614,020 alleles (0.00031%); highest among the groups gnomAD compares: African/African-American, 0.0013%; no homozygotes.

Submissions (2):

Labcorp Genetics (formerly Invitae), Labcorp
Classification: Likely benign for Charcot-Marie-Tooth disease axonal type 2O. Last evaluated: 2024-09-29. Review status: criteria provided, single submitter. Criteria: Invitae Variant Classification Sherloc (09022015). Collection method: clinical testing. Allele origin: germline.

PreventionGenetics, part of Exact Sciences
Classification: Likely benign for DYNC1H1-related condition. Last evaluated: 2022-04-19. Review status: no assertion criteria provided. Collection method: clinical testing. Allele origin: germline. Not counted in ClinVar's aggregate classification.
Comment: This variant is classified as likely benign based on ACMG/AMP sequence variant interpretation guidelines (Richards et al. 2015 PMID: 25741868, with internal and published modifications).

NM_001376.5(DYNC1H1):c.11058C>T (p.Val3686=)

Gene: DYNC1H1 (dynein cytoplasmic 1 heavy chain 1; plus strand). Cytogenetic location: 14q32.31.
Variant type: single nucleotide variant.
Coding change: c.11058C>T on transcript NM_001376.5 (MANE Select); coding-DNA position 11058, C replaced by T.
Protein change: p.Val3686=; no amino-acid change (valine 3686 retained).
Molecular consequence: synonymous variant.
Genome position (GRCh38, 1-based): chr14:102,038,700, C>T. VCF-style: chr14-102038700-C-T. GRCh37 (hg19) VCF-style: chr14-102505037-C-T.
Identifiers: ClinVar variation 3022404 (VCV003022404.5), dbSNP rs1363138805, ClinGen allele CA488185860.